The following is an entry in ClinVar:

ClinVar aggregate classification (germline): Conflicting classifications of pathogenicity. Review status: criteria provided, conflicting classifications (1 of 4 stars). 5 submissions from 4 submitters: Likely pathogenic (3); Uncertain significance (1). 1 of the submissions does not count toward it. Last evaluated 2024-03-14.

Conditions:
3MC syndrome 1. Also called: MICHELS SYNDROME; CRANIOSYNOSTOSIS WITH LID ANOMALIES; OCULOPALATOSKELETAL SYNDROME. Identifiers: Orphanet 293843, MedGen C0796059, MONDO:0009770, OMIM 257920.

Allele frequency attached by ClinVar (database versions not stated): gnomAD 0.00002; TOPMed 0.00002; gnomAD exomes 0.00003 and 0.00005; ExAC 0.00006; ESP Exome Variant Server 0.00008.
gnomAD v4.1: 45 of 1,614,106 alleles (0.0028%); highest among the groups gnomAD compares: Admixed American, 0.013%; no homozygotes.

Submissions (5):

Genomic Medicine Center of Excellence, King Faisal Specialist Hospital and Research Centre
Classification: Likely pathogenic for 3MC syndrome 1. Last evaluated: 2024-03-14. Review status: criteria provided, single submitter. Criteria: ACMG Guidelines, 2015. Collection method: research. Allele origin: germline.

GeneDx
Classification: Uncertain significance. Last evaluated: 2020-04-08. Review status: criteria provided, single submitter. Criteria: GeneDx Variant Classification Process June 2021. Collection method: clinical testing. Allele origin: germline. Affected: yes.
Comment: Nonsense variant in the C-terminus predicted to result in protein truncation, as the last 203 amino acids are lost, and other loss-of-function variants have been reported downstream in the Human Gene Mutation Database (Stenson et al., 2014); Has not been previously published as pathogenic or benign to our knowledge; This variant is associated with the following publications: (PMID: 27124789)

CENTOGENE GmbH and LLC - Guiding Precision Medicine
Classification: Likely pathogenic for 3MC syndrome 1. Last evaluated: 2018-09-14. Review status: criteria provided, single submitter. Criteria: ACMG Guidelines, 2015. Collection method: clinical testing. Allele origin: germline. Affected: yes.

Neuberg Centre For Genomic Medicine, NCGM
Classification: Likely pathogenic for 3MC syndrome 1. Review status: criteria provided, single submitter. Criteria: ACMG Guidelines, 2015. Collection method: clinical testing. Allele origin: germline. Inheritance: Autosomal dominant inheritance. Affected: yes.
Comment: The stop gained variant c.1576C>T p.Arg526Ter in the MASP1 gene has not been reported previously as a pathogenic variant nor as a benign variant, to our knowledge. This variant is reported with the allele frequency 0.004% in the gnomAD Exomes. It has been submitted to ClinVar as Likely Pathogenic/ Uncertain significance. This variant is predicted to cause loss of normal protein function through protein truncation. Loss of function variants has been previously reported to be disease-causing Degn et al., 2012. For these reasons, this variant has been classified as Likely Pathogenic. In the absence of another reportable variant, the molecular diagnosis is not confirmed.

Genomic Medicine Center of Excellence, King Faisal Specialist Hospital and Research Centre
Classification: Likely pathogenic. Review status: flagged submission. Criteria: ACMG Guidelines, 2015. Collection method: research. Allele origin: germline. Affected: yes. Not counted in ClinVar's aggregate classification.
ClinVar note: Reason: This record appears to be redundant with a more recent record from the same submitter.
ClinVar note: Notes: SCV000221569 appears to be redundant with SCV004801267.

NM_139125.4(MASP1):c.1576C>T (p.Arg526Ter)

Gene: MASP1 (MBL associated serine protease 1; minus strand). Cytogenetic location: 3q27.3.
Variant type: single nucleotide variant.
Coding change: c.1576C>T on transcript NM_139125.4 (MANE Select); coding-DNA position 1576, C replaced by T.
Protein change: p.Arg526Ter; replaces arginine 526 with a stop codon.
Molecular consequence: nonsense. On other transcripts: non-coding transcript variant (1), intron variant (1).
Genome position (GRCh38, 1-based): chr3:187,236,295, G>A on the plus strand (C>T on the coding strand, the complement: MASP1 is on the minus strand). VCF-style: chr3-187236295-G-A. GRCh37 (hg19) VCF-style: chr3-186954083-G-A.
Other names: c.1303+5186C>T (NM_001879.6); short protein forms R526*.
Identifiers: ClinVar variation 191186 (VCV000191186.7), dbSNP rs377074720, ClinGen allele CA236205.